The following is an entry in ClinVar:

NM_000548.5(TSC2):c.2396G>T (p.Arg799Leu)

Gene: TSC2 (TSC complex subunit 2; plus strand). Cytogenetic location: 16p13.3.
Variant type: single nucleotide variant.
Coding change: c.2396G>T on transcript NM_000548.5 (MANE Select); coding-DNA position 2396, G replaced by T.
Protein change: p.Arg799Leu; replaces arginine 799 with leucine.
Molecular consequence: missense variant. On other transcripts: non-coding transcript variant (5).
Genome position (GRCh38, 1-based): chr16:2,074,240, G>T. VCF-style: chr16-2074240-G-T. GRCh37 (hg19) VCF-style: chr16-2124241-G-T.
Other names: c.1796G>T, p.Arg599Leu (NM_001406680.1, NM_001406682.1, NM_001406683.1 and 6 more transcripts); c.1934G>T, p.Arg645Leu (NM_001406681.1); c.1052G>T, p.Arg351Leu (NM_001406694.1, NM_001406691.1, NM_001406692.1 and 6 more transcripts); c.2396G>T, p.Arg799Leu (NM_001077183.3, NM_001114382.3, NM_001363528.2 and 6 more transcripts); c.2285G>T, p.Arg762Leu (NM_001318827.2, NM_001406670.1, NM_001406678.1); c.2249G>T, p.Arg750Leu (NM_001318829.2, NM_001406675.1, NM_001406676.1 and 1 more transcripts); c.2429G>T, p.Arg810Leu (NM_001318832.2); c.2486G>T, p.Arg829Leu (NM_001406667.1, NM_001406668.1); and 3 more; short protein forms R645L, R762L, R799L, R265L, R351L, R599L, R829L, R750L.
Identifiers: ClinVar variation 3811370 (VCV003811370.1).

ClinVar aggregate classification (germline): Uncertain significance (1 of 4 stars; one submission).

Conditions:
Hereditary cancer-predisposing syndrome. Also called: Hereditary neoplastic syndrome; Neoplastic Syndromes, Hereditary; Tumor predisposition; Hereditary Cancer Syndrome. Identifiers: Orphanet 140162, MedGen C0027672, MeSH D009386, MONDO:0015356.

Submission:

Ambry Genetics
Classification: Uncertain significance for Hereditary cancer-predisposing syndrome. Last evaluated: 2025-03-02. Review status: criteria provided, single submitter. Criteria: Ambry Variant Classification Scheme 2023. Collection method: clinical testing. Allele origin: germline.
Comment: The p.R799L variant (also known as c.2396G>T), located in coding exon 21 of the TSC2 gene, results from a G to T substitution at nucleotide position 2396. The arginine at codon 799 is replaced by leucine, an amino acid with dissimilar properties. This amino acid position is conserved. In addition, this alteration is predicted to be deleterious by in silico analysis. Based on the available evidence, the clinical significance of this variant remains unclear.